The following is an entry in ClinVar:

ClinVar aggregate classification (germline): Uncertain significance. Review status: reviewed by expert panel (3 of 4 stars). 4 submissions from 4 submitters: Uncertain significance (1). 3 of the submissions do not count toward it. Last evaluated 2024-08-27.

Conditions:
Central core myopathy (CMYO1A). Also called: Central core disease; Myopathy, central fibrillar; CONGENITAL MYOPATHY 1A, AUTOSOMAL DOMINANT, WITH SUSCEPTIBILITY TO MALIGNANT HYPERTHERMIA. Identifiers: Orphanet 597, MedGen C5830701, MONDO:0007294, OMIM 117000.
Malignant hyperthermia, susceptibility to, 1 (MHS1). Also called: Anesthesia related hyperthermia; Malignant hyperpyrexia; Fulminating hyperpyrexia; Pharmacogenic myopathy; RYR1-Related Malignant Hyperthermia Susceptibility; Malignant hyperthermia suceptibility 1. Identifiers: Orphanet 423, MedGen C2930980, MONDO:0007783, OMIM 145600.
Congenital multicore myopathy with external ophthalmoplegia (CMYO1B). Also called: MULTICORE MYOPATHY; Minicore myopathy with external ophthalmoplegia; Congenital myopathy 1B, autosomal recessive; Minicore myopathy; MULTIMINICORE DISEASE WITH EXTERNAL OPHTHALMOPLEGIA. Identifiers: Orphanet 598, Orphanet 98905, MedGen C1850674, MONDO:0009712, OMIM 255320, HP:0003789.
Congenital myopathy with fiber type disproportion. Also called: Congenital fiber-type disproportion; Congenital fiber-type disproportion myopathy. Identifiers: Orphanet 2020, MedGen C0546264, MONDO:0009711. Inheritance: all.
King Denborough syndrome (KDS). Identifiers: MedGen C1840365, MONDO:0020485, OMIM 619542.
RYR1-related myopathy. Identifiers: Orphanet 98742, MedGen CN305348, MONDO:0100150.
RYR1-related disorder. Also called: RYR1-related condition; RYR1-related disorders. Identifiers: MedGen CN239331.

Allele frequency attached by ClinVar (database versions not stated): gnomAD 0.00001; gnomAD exomes 0.00001 and 0.00002.
gnomAD v4.1: 33 of 1,613,930 alleles (0.002%); highest among the groups gnomAD compares: Non-Finnish European, 0.0027%; no homozygotes.

Submissions (4):

ClinGen Congenital Myopathies Variant Curation Expert Panel, ClinGen
Classification: Uncertain significance for RYR1-related myopathy. Last evaluated: 2024-08-27. Review status: reviewed by expert panel. Criteria: ClinGen CongenMyopathy ACMG Specifications RYR1 AD V2.0.0. Collection method: curation. Allele origin: germline. Inheritance: Autosomal dominant inheritance.
Comment: The c.577T>A variant in RYR1 is a missense variant predicted to cause substitution of serine by threonine at amino acid 193 (p.Ser193Thr). The highest population minor allele frequency in gnomAD v4.1 is 0.00002712 (32/1179992) in the European (non-Finnish) population (PM2_Supporting, BS1, and BA1 are not met). The REVEL score is 0.78, which is greater than the threshold of ≥ 0.7 set by the CM VCEP (PP3). In summary, this variant meets the criteria to be classified as uncertain significance for AD/AR RYR1-related myopathy based on the ACMG/AMP criteria applied, as specified by the ClinGen Congenital Myopathies VCEP: PP3. (ClinGen Congenital Myopathies VCEP specifications version 2; 08/27/2024)

All of Us Research Program, National Institutes of Health
Classification: Uncertain significance for Malignant hyperthermia, susceptibility to, 1. Last evaluated: 2023-07-10. Review status: criteria provided, single submitter. Criteria: ACMG Guidelines, 2015. Collection method: clinical testing. Allele origin: germline. Inheritance: Autosomal dominant inheritance. Observed: 4 variant alleles, 4 heterozygotes. Not counted in ClinVar's aggregate classification.
Comment: This missense variant replaces serine with threonine at codon 193 of the RYR1 protein. Computational prediction suggests that this variant may have deleterious impact on protein structure and function (internally defined REVEL score threshold >= 0.7, PMID: 27666373). To our knowledge, functional studies have not been reported for this variant. This variant has not been reported in individuals affected with RYR1-related disorders in the literature. This variant has been identified in 3/282310 chromosomes in the general population by the Genome Aggregation Database (gnomAD). The available evidence is insufficient to determine the role of this variant in disease conclusively. Therefore, this variant is classified as a Variant of Uncertain Significance.

This study involves interpretation of variants in research participants for the purpose of population health screening. Participant phenotype was not available at the time of variant classification. Additional details can be found in publication PMID: 35346344, PMCID: PMC8962531

Labcorp Genetics (formerly Invitae), Labcorp
Classification: Uncertain significance for RYR1-related disorder. Last evaluated: 2021-08-28. Review status: criteria provided, single submitter. Criteria: Invitae Variant Classification Sherloc (09022015). Collection method: clinical testing. Allele origin: germline. Not counted in ClinVar's aggregate classification.
Comment: This sequence change replaces serine with threonine at codon 193 of the RYR1 protein (p.Ser193Thr). The serine residue is highly conserved and there is a small physicochemical difference between serine and threonine. This variant is not present in population databases (ExAC no frequency). This variant has not been reported in the literature in individuals affected with RYR1-related conditions. ClinVar contains an entry for this variant (Variation ID: 328993). Algorithms developed to predict the effect of missense changes on protein structure and function are either unavailable or do not agree on the potential impact of this missense change (SIFT: "Deleterious"; PolyPhen-2: "Probably Damaging"; Align-GVGD: "Class C0"). In summary, the available evidence is currently insufficient to determine the role of this variant in disease. Therefore, it has been classified as a Variant of Uncertain Significance.

Fulgent Genetics
Classification: Uncertain significance for Central core myopathy; Malignant hyperthermia, susceptibility to, 1; Congenital myopathy 4A, autosomal dominant; Congenital multicore myopathy with external ophthalmoplegia; King Denborough syndrome. Last evaluated: 2021-08-19. Review status: criteria provided, single submitter. Criteria: ACMG Guidelines, 2015. Collection method: clinical testing. Allele origin: unknown. Not counted in ClinVar's aggregate classification.

NM_000540.3(RYR1):c.577T>A (p.Ser193Thr)

Gene: RYR1 (ryanodine receptor 1; plus strand). Cytogenetic location: 19q13.2.
Variant type: single nucleotide variant.
Coding change: c.577T>A on transcript NM_000540.3 (MANE Select); coding-DNA position 577, T replaced by A.
Protein change: p.Ser193Thr; replaces serine 193 with threonine.
Molecular consequence: missense variant.
Genome position (GRCh38, 1-based): chr19:38,444,623, T>A. VCF-style: chr19-38444623-T-A. GRCh37 (hg19) VCF-style: chr19-38935263-T-A.
Other names: NM_000540.3(RYR1):c.577T>A; p.Ser193Thr; c.577T>A, p.Ser193Thr (NM_001042723.2); short protein forms S193T.
Identifiers: ClinVar variation 328993 (VCV000328993.14), dbSNP rs886054379, ClinGen allele CA10642702.